The following is an entry in ClinVar:

ClinVar aggregate classification (germline): Uncertain significance. Review status: criteria provided, multiple submitters, no conflicts (2 of 4 stars). 2 submissions from 2 submitters: Uncertain significance (2). Last evaluated 2024-03-05.

Conditions:
Catecholaminergic polymorphic ventricular tachycardia (CVPT). Also called: Catecholamine-induced polymorphic ventricular tachycardia. Identifiers: Orphanet 3286, MedGen C5574922, MONDO:0017990.
Cardiomyopathy (CMYO). Also called: Cardiomyopathies. Identifiers: Orphanet 167848, MedGen C0878544, MONDO:0004994, HP:0001638. Inheritance: Various modes of inheritance.

Submissions (2):

All of Us Research Program, National Institutes of Health
Classification: Uncertain significance for Catecholaminergic polymorphic ventricular tachycardia. Last evaluated: 2024-03-05. Review status: criteria provided, single submitter. Criteria: ACMG Guidelines, 2015. Collection method: clinical testing. Allele origin: germline. Inheritance: Autosomal dominant inheritance. Observed: 1 variant allele, 1 heterozygote.
Comment: This missense variant replaces alanine with threonine at codon 2083 of the RYR2 protein. Computational prediction is inconclusive regarding the impact of this variant on protein structure and function (internally defined REVEL score threshold 0.5 < inconclusive < 0.7, PMID: 27666373). To our knowledge, functional studies have not been reported for this variant. This variant has not been reported in individuals affected with cardiovascular disorders in the literature. This variant has not been identified in the general population by the Genome Aggregation Database (gnomAD). The available evidence is insufficient to determine the role of this variant in disease conclusively. Therefore, this variant is classified as a Variant of Uncertain Significance.

This study involves interpretation of variants in research participants for the purpose of population health screening. Participant phenotype was not available at the time of variant classification. Additional details can be found in publication PMID: 35346344, PMCID: PMC8962531

Color Diagnostics, LLC DBA Color Health
Classification: Uncertain significance for Cardiomyopathy. Last evaluated: 2021-05-10. Review status: criteria provided, single submitter. Criteria: ACMG Guidelines, 2015. Collection method: clinical testing. Allele origin: germline.
Comment: This missense variant replaces alanine with threonine at codon 2083 of the RYR2 protein. Computational prediction is inconclusive regarding the impact of this variant on protein structure and function (internally defined REVEL score threshold 0.5 < inconclusive < 0.7, PMID: 27666373). To our knowledge, functional studies have not been reported for this variant. This variant has not been reported in individuals affected with cardiovascular disorders in the literature. This variant has not been identified in the general population by the Genome Aggregation Database (gnomAD). The available evidence is insufficient to determine the role of this variant in disease conclusively. Therefore, this variant is classified as a Variant of Uncertain Significance.

NM_001035.3(RYR2):c.6247G>A (p.Ala2083Thr)

Gene: RYR2 (ryanodine receptor 2; plus strand). Cytogenetic location: 1q43.
Variant type: single nucleotide variant.
Coding change: c.6247G>A on transcript NM_001035.3 (MANE Select); coding-DNA position 6247, G replaced by A.
Protein change: p.Ala2083Thr; replaces alanine 2083 with threonine.
Molecular consequence: missense variant.
Genome position (GRCh38, 1-based): chr1:237,627,887, G>A. VCF-style: chr1-237627887-G-A. GRCh37 (hg19) VCF-style: chr1-237791187-G-A.
Other names: short protein forms A2083T.
Identifiers: ClinVar variation 1331875 (VCV001331875.3), dbSNP rs2148666895, ClinGen allele CA345410723.